The following is an entry in ClinVar:

ClinVar aggregate classification (germline): Conflicting classifications of pathogenicity. Review status: criteria provided, conflicting classifications (1 of 4 stars). 6 submissions from 5 submitters: Uncertain significance (3); Likely benign (2). 1 of the submissions does not count toward it. Last evaluated 2025-09-02.

Conditions:
Meckel syndrome, type 2 (MKS2). Also called: MKS2-Related Meckel Syndrome; MECKEL-GRUBER SYNDROME, TYPE 2. Identifiers: Orphanet 564, MedGen C1864148, MONDO:0011296, OMIM 603194.
Joubert syndrome. Also called: Familial aplasia of the vermis; JOUBERT-BOLTSHAUSER SYNDROME. Identifiers: Orphanet 475, MedGen C5979921, MONDO:0018772.
Joubert syndrome 2 (JBTS2). Also called: CEREBELLOOCULORENAL SYNDROME 2. Identifiers: Orphanet 2318, MedGen C1842577, MONDO:0011963, OMIM 608091.
TMEM216-related disorder. Also called: TMEM216-related disorders; TMEM216-related condition.

Allele frequency attached by ClinVar (database versions not stated): gnomAD 0.00002; TOPMed 0.00002.
gnomAD v4.1: 72 of 1,535,568 alleles (0.0047%); highest among the groups gnomAD compares: Non-Finnish European, 0.006%; no homozygotes.

Submissions (6):

Labcorp Genetics (formerly Invitae), Labcorp
Classification: Likely benign for Joubert syndrome. Last evaluated: 2025-09-02. Review status: criteria provided, single submitter. Criteria: Invitae Variant Classification Sherloc (09022015). Collection method: clinical testing. Allele origin: germline.

Blueprint Genetics
Classification: Likely benign. Last evaluated: 2024-04-24. Review status: criteria provided, single submitter. Criteria: ACMG Guidelines, 2015. Collection method: clinical testing. Allele origin: germline.

Eurofins Ntd Llc (ga)
Classification: Uncertain significance. Last evaluated: 2018-08-30. Review status: criteria provided, single submitter. Criteria: EGL ClinVar v180209 classification definitions. Collection method: clinical testing. Allele origin: germline. Observed: 1 variant allele, 1 heterozygote.

Illumina Laboratory Services, Illumina
Classification: Uncertain significance for Meckel syndrome, type 2. Last evaluated: 2018-01-13. Review status: criteria provided, single submitter. Criteria: ICSL Variant Classification Criteria 13 December 2019. Collection method: clinical testing. Allele origin: germline.

Illumina Laboratory Services, Illumina
Classification: Uncertain significance for Joubert syndrome 2. Last evaluated: 2018-01-13. Review status: criteria provided, single submitter. Criteria: ICSL Variant Classification Criteria 13 December 2019. Collection method: clinical testing. Allele origin: germline.

PreventionGenetics, part of Exact Sciences
Classification: Likely benign for TMEM216-related condition. Last evaluated: 2023-04-10. Review status: no assertion criteria provided. Collection method: clinical testing. Allele origin: germline. Not counted in ClinVar's aggregate classification.
Comment: This variant is classified as likely benign based on ACMG/AMP sequence variant interpretation guidelines (Richards et al. 2015 PMID: 25741868, with internal and published modifications).

NM_001173990.3(TMEM216):c.57G>T (p.Pro19=)

Gene: TMEM216 (transmembrane protein 216; plus strand). Cytogenetic location: 11q12.2.
Variant type: single nucleotide variant.
Coding change: c.57G>T on transcript NM_001173990.3 (MANE Select); coding-DNA position 57, G replaced by T.
Protein change: p.Pro19=; no amino-acid change (proline 19 retained).
Molecular consequence: synonymous variant. On other transcripts: 5 prime UTR variant (2).
Genome position (GRCh38, 1-based): chr11:61,393,253, G>T. VCF-style: chr11-61393253-G-T. GRCh37 (hg19) VCF-style: chr11-61160725-G-T.
Other names: c.57G>T, p.Pro19= (NM_001173991.3); c.-127G>T (NM_001330285.2, NM_016499.6); c.57G>T (NM_001173991.2).
Identifiers: ClinVar variation 598600 (VCV000598600.21), dbSNP rs769285695, ClinGen allele CA222895076.